The following is an entry in ClinVar:

NM_014727.3(KMT2B):c.4824C>T (p.His1608=)

Gene: KMT2B (lysine methyltransferase 2B; plus strand). Cytogenetic location: 19q13.12.
Variant type: single nucleotide variant.
Coding change: c.4824C>T on transcript NM_014727.3 (MANE Select); coding-DNA position 4824, C replaced by T.
Protein change: p.His1608=; no amino-acid change (histidine 1608 retained).
Molecular consequence: synonymous variant.
Genome position (GRCh38, 1-based): chr19:35,729,203, C>T. VCF-style: chr19-35729203-C-T. GRCh37 (hg19) VCF-style: chr19-36220104-C-T.
Identifiers: ClinVar variation 3239225 (VCV003239225.19), dbSNP rs374382876.

ClinVar aggregate classification (germline): Likely benign (1 of 4 stars; one submission).

Allele frequency attached by ClinVar (database versions not stated): gnomAD 0.00005; gnomAD exomes 0.00005; TOPMed 0.00006; ExAC 0.00007; ESP Exome Variant Server 0.00008.
gnomAD v4.1: 74 of 1,612,566 alleles (0.0046%); highest among the groups gnomAD compares: South Asian, 0.033%; no homozygotes.

Submission:

CeGaT Center for Human Genetics Tuebingen
Classification: Likely benign. Last evaluated: 2024-05-01. Review status: criteria provided, single submitter. Criteria: CeGaT Center For Human Genetics Tuebingen Variant Classification Criteria Version 2. Collection method: clinical testing. Allele origin: germline. Affected: yes. Observed: 1 variant allele.
Comment: KMT2B: BP4, BP7